The following is an entry in ClinVar:

NM_000814.6(GABRB3):c.59C>T (p.Ala20Val)

Gene: GABRB3 (gamma-aminobutyric acid type A receptor subunit beta3; minus strand). Cytogenetic location: 15q12.
Variant type: single nucleotide variant.
Coding change: c.59C>T on transcript NM_000814.6 (MANE Select); coding-DNA position 59, C replaced by T.
Protein change: p.Ala20Val; replaces alanine 20 with valine.
Molecular consequence: missense variant. On other transcripts: 5 prime UTR variant (1), intron variant (1).
Genome position (GRCh38, 1-based): chr15:26,772,904, G>A on the plus strand (C>T on the coding strand, the complement: GABRB3 is on the minus strand). VCF-style: chr15-26772904-G-A. GRCh37 (hg19) VCF-style: chr15-27018051-G-A.
Other names: c.59C>T (NM_000814.5); c.-293C>T (NM_001278631.2); c.81-132C>T (NM_021912.5); short protein forms A20V.
Identifiers: ClinVar variation 1521014 (VCV001521014.9), dbSNP rs2140199975, ClinGen allele CA391465593.

ClinVar aggregate classification (germline): Uncertain significance. Review status: criteria provided, multiple submitters, no conflicts (2 of 4 stars). 2 submissions from 2 submitters: Uncertain significance (2). Last evaluated 2025-08-22.

Conditions:
Inborn genetic diseases. Identifiers: MedGen C0950123, MeSH D030342.
Epilepsy, childhood absence, susceptibility to, 1. Also called: Epilepsy, childhood absence 1. Identifiers: Orphanet 64280, MedGen C1838604, MONDO:0020759, OMIM 600131.
Epilepsy, childhood absence, susceptibility to, 5. Identifiers: Orphanet 64280, MedGen C2677087, MONDO:0012843, OMIM 612269.

gnomAD v4.1: 3 of 1,500,324 alleles (0.0002%); highest among the groups gnomAD compares: Non-Finnish European, 0.00018%; no homozygotes.

Submissions (2):

Labcorp Genetics (formerly Invitae), Labcorp
Classification: Uncertain significance for Epilepsy, childhood absence, susceptibility to, 5; Epilepsy, childhood absence, susceptibility to, 1. Last evaluated: 2025-08-22. Review status: criteria provided, single submitter. Criteria: Invitae Variant Classification Sherloc (09022015). Collection method: clinical testing. Allele origin: germline.
Comment: This sequence change replaces alanine, which is neutral and non-polar, with valine, which is neutral and non-polar, at codon 20 of the GABRB3 protein (p.Ala20Val). This variant is not present in population databases (gnomAD no frequency). This missense change has been observed in individual(s) with clinical features of GABRB3-related conditions (internal data). ClinVar contains an entry for this variant (Variation ID: 1521014). Invitae Evidence Modeling of protein sequence and biophysical properties (such as structural, functional, and spatial information, amino acid conservation, physicochemical variation, residue mobility, and thermodynamic stability) indicates that this missense variant is not expected to disrupt GABRB3 protein function with a negative predictive value of 95%. In summary, the available evidence is currently insufficient to determine the role of this variant in disease. Therefore, it has been classified as a Variant of Uncertain Significance.

Ambry Genetics
Classification: Uncertain significance for Inborn genetic diseases. Last evaluated: 2022-12-16. Review status: criteria provided, single submitter. Criteria: Ambry Variant Classification Scheme 2023. Collection method: clinical testing. Allele origin: germline.